The following is an entry in ClinVar:

ClinVar aggregate classification (germline): Uncertain significance (1 of 4 stars; one submission).

Allele frequency attached by ClinVar (database versions not stated): TOPMed below 0.00001; gnomAD 0.00001; gnomAD exomes 0.00001.
gnomAD v4.1: 17 of 1,613,332 alleles (0.0011%); highest among the groups gnomAD compares: Non-Finnish European, 0.0014%; no homozygotes.

Submission:

CeGaT Center for Human Genetics Tuebingen
Classification: Uncertain significance. Last evaluated: 2022-07-01. Review status: criteria provided, single submitter. Criteria: CeGaT Center For Human Genetics Tuebingen Variant Classification Criteria Version 2. Collection method: clinical testing. Allele origin: germline. Affected: yes. Observed: 1 variant allele.
Comment: SPTA1: PM2:Supporting, BP4

NM_003126.4(SPTA1):c.5639C>T (p.Ala1880Val)

Gene: SPTA1 (spectrin alpha, erythrocytic 1; minus strand). Cytogenetic location: 1q23.1.
Variant type: single nucleotide variant.
Coding change: c.5639C>T on transcript NM_003126.4 (MANE Select); coding-DNA position 5639, C replaced by T.
Protein change: p.Ala1880Val; replaces alanine 1880 with valine.
Molecular consequence: missense variant.
Genome position (GRCh38, 1-based): chr1:158,627,650, G>A on the plus strand (C>T on the coding strand, the complement: SPTA1 is on the minus strand). VCF-style: chr1-158627650-G-A. GRCh37 (hg19) VCF-style: chr1-158597440-G-A.
Other names: short protein forms A1880V.
Identifiers: ClinVar variation 2639475 (VCV002639475.24), dbSNP rs1350308187, ClinGen allele CA343023193.